The following is an entry in ClinVar:

ClinVar aggregate classification (germline): Uncertain significance (1 of 4 stars; one submission).

Conditions:
Inborn genetic diseases. Identifiers: MedGen C0950123, MeSH D030342.

Submission:

Ambry Genetics
Classification: Uncertain significance for Inborn genetic diseases. Last evaluated: 2025-08-03. Review status: criteria provided, single submitter. Criteria: Ambry Variant Classification Scheme 2023. Collection method: clinical testing. Allele origin: germline.
Comment: The p.P380L variant (also known as c.1139C>T), located in coding exon 8 of the CDH2 gene, results from a C to T substitution at nucleotide position 1139. The proline at codon 380 is replaced by leucine, an amino acid with similar properties. This amino acid position is conserved. In addition, this alteration is predicted to be deleterious by in silico analysis. Based on the available evidence, the clinical significance of this variant remains unclear.

NM_001792.5(CDH2):c.1139C>T (p.Pro380Leu)

Gene: CDH2 (cadherin 2; minus strand). Cytogenetic location: 18q12.1.
Variant type: single nucleotide variant.
Coding change: c.1139C>T on transcript NM_001792.5 (MANE Select); coding-DNA position 1139, C replaced by T.
Protein change: p.Pro380Leu; replaces proline 380 with leucine.
Molecular consequence: missense variant.
Genome position (GRCh38, 1-based): chr18:27,993,519, G>A on the plus strand (C>T on the coding strand, the complement: CDH2 is on the minus strand). VCF-style: chr18-27993519-G-A. GRCh37 (hg19) VCF-style: chr18-25573483-G-A.
Other names: c.1046C>T, p.Pro349Leu (NM_001308176.2); short protein forms P349L, P380L.
Identifiers: ClinVar variation 4223776 (VCV004223776.1).